The following is an entry in ClinVar:

ClinVar aggregate classification (germline): Likely benign. Review status: criteria provided, multiple submitters, no conflicts (2 of 4 stars). 2 submissions from 2 submitters: Likely benign (2). Last evaluated 2026-01-01.

Allele frequency attached by ClinVar (database versions not stated): ExAC 0.00004; gnomAD 0.00004 and 0.00005; gnomAD exomes 0.00006; TOPMed 0.00006.
gnomAD v4.1: 182 of 1,610,332 alleles (0.011%); highest among the groups gnomAD compares: Non-Finnish European, 0.013%; no homozygotes.

Submissions (2):

CeGaT Center for Human Genetics Tuebingen
Classification: Likely benign. Last evaluated: 2026-01-01. Review status: criteria provided, single submitter. Criteria: CeGaT Center For Human Genetics Tuebingen Variant Classification Criteria Version 2. Collection method: clinical testing. Allele origin: germline. Affected: yes. Observed: 1 variant allele.
Comment: GRID2: BP4, BP7

Labcorp Genetics (formerly Invitae), Labcorp
Classification: Likely benign. Last evaluated: 2018-07-26. Review status: criteria provided, single submitter. Criteria: Invitae Variant Classification Sherloc (09022015). Collection method: clinical testing. Allele origin: germline.

NM_001510.4(GRID2):c.2058G>A (p.Ala686=)

Gene: GRID2 (glutamate ionotropic receptor delta type subunit 2; plus strand). Cytogenetic location: 4q22.2.
Variant type: single nucleotide variant.
Coding change: c.2058G>A on transcript NM_001510.4 (MANE Select); coding-DNA position 2058, G replaced by A.
Protein change: p.Ala686=; no amino-acid change (alanine 686 retained).
Molecular consequence: synonymous variant.
Genome position (GRCh38, 1-based): chr4:93,515,276, G>A. VCF-style: chr4-93515276-G-A. GRCh37 (hg19) VCF-style: chr4-94436427-G-A.
Other names: c.1773G>A, p.Ala591= (NM_001286838.1).
Identifiers: ClinVar variation 761720 (VCV000761720.7), dbSNP rs754576771, ClinGen allele CA3012443.
Genomic context (GRCh38, chr4:93,515,276, plus strand): 5'-GTCTCTCCAGGACCTTTCCAAGCAAACAGAAATCCCTTATGGCACAGTCCTAGACTCTGC[G>A]GTATATGAGCATGTCCGCATGAAAGGACTGAATCCTTTTGAGAGGGACAGCATGTATTCC-3'
Protein context (NP_001501.2, residues 676-696): EIPYGTVLDS[Ala686=]VYEHVRMKGL